The following is an entry in ClinVar:

NM_033380.3(COL4A5):c.2678-16T>G

Gene: COL4A5 (collagen type IV alpha 5 chain; plus strand). Cytogenetic location: Xq22.3.
Variant type: single nucleotide variant.
Coding change: c.2678-16T>G on transcript NM_033380.3 (MANE Select); 16 bases into the intron before coding-DNA position 2678, T replaced by G.
Molecular consequence: intron variant.
Genome position (GRCh38, 1-based): chrX:108,621,787, T>G. VCF-style: chrX-108621787-T-G. GRCh37 (hg19) VCF-style: chrX-107865017-T-G.
Other names: c.2678-16T>G (NM_000495.5).
Identifiers: ClinVar variation 3601998 (VCV003601998.1).

ClinVar aggregate classification (germline): Uncertain significance (1 of 4 stars; one submission).

Conditions:
X-linked Alport syndrome (ATS1). Also called: NEPHROPATHY AND DEAFNESS, X-LINKED; COL4A5-Related Nephropathy. Identifiers: Orphanet 63, Orphanet 88917, MedGen C4746986, MONDO:0010520, OMIM 301050.

Submission:

MVZ Medizinische Genetik Mainz
Classification: Uncertain significance for X-linked Alport syndrome. Last evaluated: 2025-01-09. Review status: criteria provided, single submitter. Criteria: UK Practice Guidelines For Variant Classification V4 01 2020. Collection method: clinical testing. Allele origin: germline. Inheritance: Unknown mechanism. Affected: yes. Observed: 1 variant allele.
Comment: ACMG Criteria: PM2_SUP,PP3